The following is an entry in ClinVar:

NM_012239.6(SIRT3):c.-9G>C

Gene: SIRT3 (sirtuin 3; minus strand). Cytogenetic location: 11p15.5.
Variant type: single nucleotide variant.
Coding change: c.-9G>C on transcript NM_012239.6 (MANE Select); 9 bases upstream of the start codon, G replaced by C.
Molecular consequence: 5 prime UTR variant. On other transcripts: non-coding transcript variant (9), intron variant (7).
Genome position (GRCh38, 1-based): chr11:236,337, C>G on the plus strand (G>C on the coding strand, the complement: SIRT3 is on the minus strand). VCF-style: chr11-236337-C-G. GRCh37 (hg19) VCF-style: chr11-236337-C-G.
Other names: c.-289G>C (NM_001017524.3, NM_001370323.1, NM_001370325.1); c.-9G>C (NM_001370310.1, NM_001370312.1, NM_001370314.1 and 2 more transcripts); c.-146+354G>C (NM_001370324.1, NM_001370320.1); c.-146+352G>C (NM_001370319.1); c.-10+279G>C (NM_001370317.1); c.-49+279G>C (NM_001370322.1); c.-146+279G>C (NM_001370318.1, NM_001370321.1).
Identifiers: ClinVar variation 3038327 (VCV003038327.2), dbSNP rs147924046, ClinGen allele CA5771345.
Genomic context (GRCh38, chr11:236,337, plus strand): 5'-CCCGGCCCCACAGCCGGAGGGCTGCCGCGGCGCGCCAACCCCAGAACGCCATGTTCCGCG[C>G]AGTCCAAGGAGTCCTCCGGACTCGCCCCGCCCCCGGCGCCCCGGCCCCGCCTCCGCCTCC-3'

ClinVar aggregate classification (germline): Benign (0 of 4 stars; one submission).

Conditions:
SIRT3-related disorder. Also called: SIRT3-related condition.

Allele frequency attached by ClinVar (database versions not stated): 1000 Genomes Project 30x 0.01765; 1000 Genomes Project 0.01797; ESP Exome Variant Server 0.02498; TOPMed 0.02995.
gnomAD v4.1: 65,751 of 1,385,434 alleles (4.7%); highest among the groups gnomAD compares: South Asian, 6.6%; 1,744 homozygotes.

Submission:

PreventionGenetics, part of Exact Sciences
Classification: Benign for SIRT3-related condition. Last evaluated: 2019-02-22. Review status: no assertion criteria provided. Collection method: clinical testing. Allele origin: germline.
Comment: This variant is classified as benign based on ACMG/AMP sequence variant interpretation guidelines (Richards et al. 2015 PMID: 25741868, with internal and published modifications).